The following is an entry in ClinVar:

ClinVar aggregate classification (germline): Likely pathogenic (1 of 4 stars; one submission).

Conditions:
Progressive familial intrahepatic cholestasis type 2. Identifiers: Orphanet 79304, MedGen C3489789, MONDO:0011156, OMIM 601847.

Submission:

Neuberg Centre For Genomic Medicine, NCGM
Classification: Likely pathogenic for Progressive familial intrahepatic cholestasis type 2. Review status: criteria provided, single submitter. Criteria: ACMG Guidelines, 2015. Collection method: clinical testing. Allele origin: germline. Inheritance: Autosomal recessive inheritance. Affected: yes.
Comment: The stop gained variant c.807T>G(p.Tyr269Ter) in ABCB11 gene has not been reported previously as a pathogenic variant nor as a benign variant, to our knowledge. The p.Tyr269Ter variant is novel (not in any individuals) in gnomAD Exomes and 1000 Genomes. For these reasons, this variant has been classified as Likely Pathogenic.

NM_003742.4(ABCB11):c.807T>G (p.Tyr269Ter)

Gene: ABCB11 (ATP binding cassette subfamily B member 11; minus strand). Cytogenetic location: 2q31.1.
Variant type: single nucleotide variant.
Coding change: c.807T>G on transcript NM_003742.4 (MANE Select); coding-DNA position 807, T replaced by G.
Protein change: p.Tyr269Ter; replaces tyrosine 269 with a stop codon.
Molecular consequence: nonsense.
Genome position (GRCh38, 1-based): chr2:168,990,902, A>C on the plus strand (T>G on the coding strand, the complement: ABCB11 is on the minus strand). VCF-style: chr2-168990902-A-C. GRCh37 (hg19) VCF-style: chr2-169847412-A-C.
Other names: short protein forms Y269*.
Identifiers: ClinVar variation 2585283 (VCV002585283.1), dbSNP rs2287616, ClinGen allele CA349125751.